The following is an entry in ClinVar:

ClinVar aggregate classification (germline): Conflicting classifications of pathogenicity. Review status: criteria provided, conflicting classifications (1 of 4 stars). 3 submissions from 1 submitter: Uncertain significance (1); Benign (1); Likely benign (1). Last evaluated 2018-01-12.

Conditions:
Autosomal recessive nonsyndromic hearing loss 1A (DFNB1A). Also called: GJB6-Related DFNB 1 Nonsyndromic Hearing Loss and Deafness; Deafness, autosomal recessive 1A; Nonsyndromic Hearing Loss and Deafness, DFNB1; GJB2-Related Autosomal Recessive Nonsyndromic Hearing Loss; Connexin 26 deafness; Deafness nonsyndromic, Connexin 26 linked. Identifiers: Orphanet 90636, MedGen C2673759, MONDO:0009076, OMIM 220290.
Ichthyosis, hystrix-like, with hearing loss. Also called: Hystrix-like ichthyosis with deafness. Identifiers: Orphanet 477, MedGen C1865234, MONDO:0011245.
Autosomal dominant nonsyndromic hearing loss 3A. Identifiers: Orphanet 90635, MedGen C2675750, MONDO:0011103, OMIM 601544.

Allele frequency attached by ClinVar (database versions not stated): gnomAD 0.00158 and 0.00163; TOPMed 0.00176; 1000 Genomes Project 30x 0.00094; 1000 Genomes Project 0.00080.

Submissions (3):

Illumina Laboratory Services, Illumina
Classification: Uncertain significance for Autosomal recessive nonsyndromic hearing loss 1A. Last evaluated: 2018-01-12. Review status: criteria provided, single submitter. Criteria: ICSL Variant Classification Criteria 13 December 2019. Collection method: clinical testing. Allele origin: germline.

Illumina Laboratory Services, Illumina
Classification: Benign for Autosomal dominant keratitis-ichthyosis-hearing loss syndrome. Last evaluated: 2018-01-12. Review status: criteria provided, single submitter. Criteria: ICSL Variant Classification Criteria 13 December 2019. Collection method: clinical testing. Allele origin: germline.
Comment: This variant was observed in the ICSL laboratory as part of a predisposition screen in an ostensibly healthy population. It had not been previously curated by ICSL or reported in the Human Gene Mutation Database (HGMD: prior to June 1st, 2018), and was therefore a candidate for classification through an automated scoring system. Utilizing variant allele frequency, disease prevalence and penetrance estimates, and inheritance mode, an automated score was calculated to assess if this variant is too frequent to cause the disease. Based on the score and internal cut-off values, a variant classified as benign is not then subjected to further curation. The score for this variant resulted in a classification of benign for this disease.

Illumina Laboratory Services, Illumina
Classification: Likely benign for Autosomal dominant nonsyndromic hearing loss 3A. Last evaluated: 2018-01-12. Review status: criteria provided, single submitter. Criteria: ICSL Variant Classification Criteria 13 December 2019. Collection method: clinical testing. Allele origin: germline.
Comment: This variant was observed in the ICSL laboratory as part of a predisposition screen in an ostensibly healthy population. It had not been previously curated by ICSL or reported in the Human Gene Mutation Database (HGMD: prior to June 1st, 2018), and was therefore a candidate for classification through an automated scoring system. Utilizing variant allele frequency, disease prevalence and penetrance estimates, and inheritance mode, an automated score was calculated to assess if this variant is too frequent to cause the disease. Based on the score and internal cut-off values, a variant classified as likely benign is not then subjected to further curation. The score for this variant resulted in a classification of likely benign for this disease.

NM_004004.6(GJB2):c.*1016A>G

Gene: GJB2 (gap junction protein beta 2; minus strand). Cytogenetic location: 13q12.11.
Variant type: single nucleotide variant.
Coding change: c.*1016A>G on transcript NM_004004.6 (MANE Select); 1016 bases downstream of the stop codon, A replaced by G.
Molecular consequence: 3 prime UTR variant.
Genome position (GRCh38, 1-based): chr13:20,187,885, T>C on the plus strand (A>G on the coding strand, the complement: GJB2 is on the minus strand). VCF-style: chr13-20187885-T-C. GRCh37 (hg19) VCF-style: chr13-20762024-T-C.
Identifiers: ClinVar variation 311359 (VCV000311359.5), dbSNP rs537683957, ClinGen allele CA10639103.